The following is an entry in ClinVar:

NM_005763.4(AASS):c.323T>C (p.Phe108Ser)

Gene: AASS (aminoadipate-semialdehyde synthase; minus strand). Cytogenetic location: 7q31.32.
Variant type: single nucleotide variant.
Coding change: c.323T>C on transcript NM_005763.4 (MANE Select); coding-DNA position 323, T replaced by C.
Protein change: p.Phe108Ser; replaces phenylalanine 108 with serine.
Molecular consequence: missense variant.
Genome position (GRCh38, 1-based): chr7:122,129,425, A>G on the plus strand (T>C on the coding strand, the complement: AASS is on the minus strand). VCF-style: chr7-122129425-A-G. GRCh37 (hg19) VCF-style: chr7-121769479-A-G.
Other names: short protein forms F108S.
Identifiers: ClinVar variation 1306102 (VCV001306102.4), dbSNP rs201661225, ClinGen allele CA4458679.

ClinVar aggregate classification (germline): Uncertain significance (1 of 4 stars; one submission).

Allele frequency attached by ClinVar (database versions not stated): gnomAD exomes 0.00001; ExAC 0.00002; gnomAD 0.00004; TOPMed 0.00004; ESP Exome Variant Server 0.00015.
gnomAD v4.1: 13 of 1,613,272 alleles (0.00081%); highest among the groups gnomAD compares: African/African-American, 0.0027%; no homozygotes.

Submission:

GeneDx
Classification: Uncertain significance. Last evaluated: 2025-07-16. Review status: criteria provided, single submitter. Criteria: GeneDx Variant Classification Process June 2021. Collection method: clinical testing. Allele origin: germline. Affected: yes.
Comment: In silico analysis supports that this missense variant has a deleterious effect on protein structure/function; Has not been previously published as pathogenic or benign to our knowledge